The following is an entry in ClinVar:

NM_000434.4(NEU1):c.1004C>A (p.Pro335Gln)

Gene: NEU1 (neuraminidase 1; minus strand). Cytogenetic location: 6p21.33.
Variant type: single nucleotide variant.
Coding change: c.1004C>A on transcript NM_000434.4 (MANE Select); coding-DNA position 1004, C replaced by A.
Protein change: p.Pro335Gln; replaces proline 335 with glutamine.
Molecular consequence: missense variant.
Genome position (GRCh38, 1-based): chr6:31,860,059, G>T on the plus strand (C>A on the coding strand, the complement: NEU1 is on the minus strand). VCF-style: chr6-31860059-G-T. GRCh37 (hg19) VCF-style: chr6-31827836-G-T.
Other names: c.1004C>A (NM_000434.3); short protein forms P335Q.
Identifiers: ClinVar variation 2445712 (VCV002445712.4), dbSNP rs749996046, ClinGen allele CA3724908.

ClinVar aggregate classification (germline): Pathogenic/Likely pathogenic. Review status: criteria provided, multiple submitters, no conflicts (2 of 4 stars). 2 submissions from 2 submitters: Pathogenic (1); Likely pathogenic (1). Last evaluated 2025-07-27.

Conditions:
Sialidosis. Identifiers: Orphanet 309294, MedGen C0268226, MONDO:0017734.

Allele frequency attached by ClinVar (database versions not stated): gnomAD 0.00001; TOPMed below 0.00001.
gnomAD v4.1: 6 of 1,612,850 alleles (0.00037%); highest among the groups gnomAD compares: Non-Finnish European, 0.00051%; no homozygotes.

Submissions (2):

Labcorp Genetics (formerly Invitae), Labcorp
Classification: Pathogenic. Last evaluated: 2025-07-27. Review status: criteria provided, single submitter. Criteria: Invitae Variant Classification Sherloc (09022015). Collection method: clinical testing. Allele origin: germline.
Comment: This sequence change replaces proline, which is neutral and non-polar, with glutamine, which is neutral and polar, at codon 335 of the NEU1 protein (p.Pro335Gln). This variant is present in population databases (rs749996046, gnomAD 0.0009%). This missense change has been observed in individual(s) with sialidosis (PMID: 11063730, 31711734). ClinVar contains an entry for this variant (Variation ID: 2445712). Invitae Evidence Modeling of protein sequence and biophysical properties (such as structural, functional, and spatial information, amino acid conservation, physicochemical variation, residue mobility, and thermodynamic stability) indicates that this missense variant is expected to disrupt NEU1 protein function with a positive predictive value of 80%. Experimental studies have shown that this missense change affects NEU1 function (PMID: 11063730). For these reasons, this variant has been classified as Pathogenic.

Women's Health and Genetics/Laboratory Corporation of America, LabCorp
Classification: Likely pathogenic for Sialidosis. Last evaluated: 2023-02-05. Review status: criteria provided, single submitter. Criteria: LabCorp Variant Classification Summary - May 2015. Collection method: clinical testing. Allele origin: germline.
Comment: Variant summary: NEU1 c.1004C>A (p.Pro335Gln) results in a non-conservative amino acid change located in the Sialidase domain (IPR011040) of the encoded protein sequence. Five of five in-silico tools predict a damaging effect of the variant on protein function. The variant allele was found at a frequency of 4.1e-06 in 246478 control chromosomes (gnomAD). c.1004C>A has been reported in the literature as a biallelic genotype in individuals affected with Sialidosis (Bonten_2000, Caciotti_2020). These data indicate that the variant may be associated with disease. The variant has been found disrupting the proteins ability to localize to the lysosomes, resulting in no detectable enzyme activity (Bonten_2000). No clinical diagnostic laboratories have submitted clinical-significance assessments for this variant to ClinVar after 2014. Based on the evidence outlined above, the variant was classified as likely pathogenic.

Literature cited by the submitters: PubMed 11063730 (cited by Labcorp Genetics (formerly Invitae), Labcorp and Women's Health and Genetics/Laboratory Corporation of America, LabCorp); PubMed 31711734 (cited by Labcorp Genetics (formerly Invitae), Labcorp and Women's Health and Genetics/Laboratory Corporation of America, LabCorp); PubMed 30548430 (cited by Women's Health and Genetics/Laboratory Corporation of America, LabCorp).